The following is an entry in ClinVar:

NM_001232.4(CASQ2):c.270C>A (p.Gly90=)

Gene: CASQ2 (calsequestrin 2; minus strand). Cytogenetic location: 1p13.1.
Variant type: single nucleotide variant.
Coding change: c.270C>A on transcript NM_001232.4 (MANE Select); coding-DNA position 270, C replaced by A.
Protein change: p.Gly90=; no amino-acid change (glycine 90 retained).
Molecular consequence: synonymous variant.
Genome position (GRCh38, 1-based): chr1:115,744,877, G>T on the plus strand (C>A on the coding strand, the complement: CASQ2 is on the minus strand). VCF-style: chr1-115744877-G-T. GRCh37 (hg19) VCF-style: chr1-116287498-G-T.
Identifiers: ClinVar variation 178011 (VCV000178011.24), dbSNP rs72554056, ClinGen allele CA181174.

ClinVar aggregate classification (germline): Conflicting classifications of pathogenicity. Review status: criteria provided, conflicting classifications (1 of 4 stars). 7 submissions from 7 submitters: Uncertain significance (1); Benign (1); Likely benign (5). Last evaluated 2025-11-21.

Conditions:
Catecholaminergic polymorphic ventricular tachycardia 1. Also called: RYR2-Related Catecholaminergic Polymorphic Ventricular Tachycardia; VENTRICULAR TACHYCARDIA, STRESS-INDUCED POLYMORPHIC 1; VENTRICULAR TACHYCARDIA, CATECHOLAMINERGIC POLYMORPHIC, 1, WITH OR WITHOUT ATRIAL DYSFUNCTION AND/OR DILATED CARDIOMYOPATHY. Identifiers: Orphanet 3286, MedGen C1631597, MONDO:0011484, OMIM 604772.
Cardiovascular phenotype. Identifiers: MedGen CN230736.
Catecholaminergic polymorphic ventricular tachycardia 2. Also called: CASQ2-Related Catecholaminergic Polymorphic Ventricular Tachycardia; VENTRICULAR TACHYCARDIA, STRESS-INDUCED POLYMORPHIC 2. Identifiers: Orphanet 3286, MedGen C2677794, MONDO:0012762, OMIM 611938.

Allele frequency attached by ClinVar (database versions not stated): gnomAD exomes 0.00008; TOPMed 0.00009; gnomAD 0.00006; ExAC 0.00008; ESP Exome Variant Server 0.00008.
gnomAD v4.1: 336 of 1,613,604 alleles (0.021%); highest among the groups gnomAD compares: Non-Finnish European, 0.028%; no homozygotes.

Submissions (7):

Labcorp Genetics (formerly Invitae), Labcorp
Classification: Likely benign for Catecholaminergic polymorphic ventricular tachycardia 1. Last evaluated: 2025-11-21. Review status: criteria provided, single submitter. Criteria: Invitae Variant Classification Sherloc (09022015). Collection method: clinical testing. Allele origin: germline.

Blueprint Genetics
Classification: Likely benign. Last evaluated: 2023-05-25. Review status: criteria provided, single submitter. Criteria: ACMG Guidelines, 2015. Collection method: clinical testing. Allele origin: germline.

Women's Health and Genetics/Laboratory Corporation of America, LabCorp
Classification: Likely benign. Last evaluated: 2021-05-23. Review status: criteria provided, single submitter. Criteria: LabCorp Variant Classification Summary - May 2015. Collection method: clinical testing. Allele origin: germline.

Ambry Genetics
Classification: Likely benign for Cardiovascular phenotype. Last evaluated: 2020-02-04. Review status: criteria provided, single submitter. Criteria: Ambry Variant Classification Scheme 2023. Collection method: clinical testing. Allele origin: germline.

Illumina Laboratory Services, Illumina
Classification: Uncertain significance for Catecholaminergic polymorphic ventricular tachycardia 2. Last evaluated: 2018-01-13. Review status: criteria provided, single submitter. Criteria: ICSL Variant Classification Criteria 13 December 2019. Collection method: clinical testing. Allele origin: germline.

GeneDx
Classification: Benign. Last evaluated: 2015-04-15. Review status: criteria provided, single submitter. Criteria: GeneDx Variant Classification (06012015). Collection method: clinical testing. Allele origin: germline. Affected: yes.
Comment: This variant is considered likely benign or benign based on one or more of the following criteria: it is a conservative change, it occurs at a poorly conserved position in the protein, it is predicted to be benign by multiple in silico algorithms, and/or has population frequency not consistent with disease.

Laboratory for Molecular Medicine, Mass General Brigham Personalized Medicine
Classification: Likely benign. Last evaluated: 2012-03-19. Review status: criteria provided, single submitter. Criteria: LMM Criteria. Collection method: clinical testing. Allele origin: germline. Observed: 1 variant allele.
Comment: Gly90Gly in exon 02 of CASQ2: This variant is not expected to have clinical sign ificance because it does not alter an amino acid residue and is not located with in the splice consensus sequence. It has been identified in 1/7020 European Amer ican chromosomes from a broad population by the NHLBI Exome Sequencing Project (dbSNP rs72554056).